The following is an entry in ClinVar:

NM_002485.5(NBN):c.2008A>G (p.Arg670Gly)

Gene: NBN (nibrin; minus strand). Cytogenetic location: 8q21.3.
Variant type: single nucleotide variant.
Coding change: c.2008A>G on transcript NM_002485.5 (MANE Select); coding-DNA position 2008, A replaced by G.
Protein change: p.Arg670Gly; replaces arginine 670 with glycine.
Molecular consequence: missense variant.
Genome position (GRCh38, 1-based): chr8:89,946,202, T>C on the plus strand (A>G on the coding strand, the complement: NBN is on the minus strand). VCF-style: chr8-89946202-T-C. GRCh37 (hg19) VCF-style: chr8-90958430-T-C.
Other names: c.1762A>G, p.Arg588Gly (NM_001024688.3); short protein forms R670G, R588G.
Identifiers: ClinVar variation 230295 (VCV000230295.6), dbSNP rs876658488, ClinGen allele CA10578747.

ClinVar aggregate classification (germline): Uncertain significance. Review status: criteria provided, single submitter (1 of 4 stars). 2 submissions from 2 submitters: Uncertain significance (1). 1 of the submissions does not count toward it. Last evaluated 2022-10-14.

Conditions:
Hereditary cancer-predisposing syndrome. Also called: Hereditary Cancer Syndrome; Neoplastic Syndromes, Hereditary; Tumor predisposition; Hereditary neoplastic syndrome. Identifiers: Orphanet 140162, MedGen C0027672, MeSH D009386, MONDO:0015356.
Microcephaly, normal intelligence and immunodeficiency (NBS). Also called: BERLIN BREAKAGE SYNDROME; Ataxia telangiectasia variant V1; IMMUNODEFICIENCY, MICROCEPHALY, AND CHROMOSOMAL INSTABILITY; SEEMANOVA SYNDROME II; Nijmegen breakage syndrome; Microcephaly with normal intelligence immunodeficiency and lymphoreticular malignancies. Identifiers: Orphanet 647, MedGen C0398791, MONDO:0009623, OMIM 251260.

Submissions (2):

Ambry Genetics
Classification: Uncertain significance for Hereditary cancer-predisposing syndrome. Last evaluated: 2022-10-14. Review status: criteria provided, single submitter. Criteria: Ambry Variant Classification Scheme 2023. Collection method: clinical testing. Allele origin: germline.
Comment: The p.R670G variant (also known as c.2008A>G), located in coding exon 13 of the NBN gene, results from an A to G substitution at nucleotide position 2008. The arginine at codon 670 is replaced by glycine, an amino acid with dissimilar properties. This amino acid position is well conserved in available vertebrate species. In addition, this alteration is predicted to be tolerated by in silico analysis. Since supporting evidence is limited at this time, the clinical significance of this alteration remains unclear.

Natera, Inc.
Classification: Uncertain significance for Nijmegen breakage syndrome. Last evaluated: 2021-06-29. Review status: no assertion criteria provided. Collection method: clinical testing. Allele origin: germline. Not counted in ClinVar's aggregate classification.